The following is an entry in ClinVar:

ClinVar aggregate classification (germline): Uncertain significance (1 of 4 stars; one submission).

Conditions:
Polycystic kidney disease, adult type (PKD1). Also called: Polycystic Kidney, Autosomal Dominant; POLYCYSTIC KIDNEY DISEASE 1 WITH OR WITHOUT POLYCYSTIC LIVER DISEASE; Polycystic Kidney Disease 1, Autosomal Dominant; Polycystic kidney disease 1; Polycystic kidney disease 1, severe; POLYCYSTIC KIDNEY DISEASE, ADULT, TYPE I. Identifiers: MedGen C3149841, MONDO:0008263, OMIM 173900.

Submission:

MVZ Medizinische Genetik Mainz
Classification: Uncertain significance for Polycystic kidney disease, adult type. Last evaluated: 2022-06-02. Review status: criteria provided, single submitter. Criteria: UK Practice Guidelines For Variant Classification V4 01 2020. Collection method: clinical testing. Allele origin: germline. Inheritance: Autosomal dominant inheritance. Affected: yes. Observed: 1 variant allele.
Comment: ACMG Criteria: PM2_SUP, PP4 (ACMG Version 3)

NM_001009944.3(PKD1):c.9841G>C (p.Ala3281Pro)

Gene: PKD1 (polycystin 1, transient receptor potential channel interacting; minus strand). Cytogenetic location: 16p13.3.
Variant type: single nucleotide variant.
Coding change: c.9841G>C on transcript NM_001009944.3 (MANE Select); coding-DNA position 9841, G replaced by C.
Protein change: p.Ala3281Pro; replaces alanine 3281 with proline.
Molecular consequence: missense variant.
Genome position (GRCh38, 1-based): chr16:2,099,943, C>G on the plus strand (G>C on the coding strand, the complement: PKD1 is on the minus strand). VCF-style: chr16-2099943-C-G. GRCh37 (hg19) VCF-style: chr16-2149944-C-G.
Other names: c.9841G>C, p.Ala3281Pro (NM_000296.4); short protein forms A3281P.
Identifiers: ClinVar variation 3068412 (VCV003068412.1), dbSNP rs1210319842, ClinGen allele CA394353500.
Genomic context (GRCh38, chr16:2,099,943, plus strand): 5'-CCCCGTACCACACGGCGTTGGCGCCCAGGAAGAGGCAGATGAGGAGAACGCAGCAGGTGG[C>G]CCTCTGGATGCGAGTGAAACGGCTACGAGGCGGCCGGTCCCATATGGAGAGCCAGATGTG-3'
Protein context (NP_001009944.3, residues 3271-3291): PRSRFTRIQR[Ala3281Pro]TCCVLLICLF